The following is an entry in ClinVar:

NM_014141.6(CNTNAP2):c.3814A>C (p.Ile1272Leu)

Gene: CNTNAP2 (contactin associated protein 2; plus strand). Cytogenetic location: 7q36.1.
Variant type: single nucleotide variant.
Coding change: c.3814A>C on transcript NM_014141.6 (MANE Select); coding-DNA position 3814, A replaced by C.
Protein change: p.Ile1272Leu; replaces isoleucine 1272 with leucine.
Molecular consequence: missense variant.
Genome position (GRCh38, 1-based): chr7:148,415,434, A>C. VCF-style: chr7-148415434-A-C. GRCh37 (hg19) VCF-style: chr7-148112526-A-C.
Other names: short protein forms I1272L.
Identifiers: ClinVar variation 1952560 (VCV001952560.5), dbSNP rs2485759981, ClinGen allele CA369706675.
Genomic context (GRCh38, chr7:148,415,434, plus strand): 5'-CCAAGCCCTGTCTAACCTCTCGTGCTTCTCCTTTCTCCGTCAGGCGTCATTGCTGTGGTG[A>C]TTTTCACCATCCTGTGCACCCTGGTCTTCCTGATCCGGTACATGTTCCGCCACAAGGGCA-3'
Protein context (NP_054860.1, residues 1262-1282): AIIGGVIAVV[Ile1272Leu]FTILCTLVFL

ClinVar aggregate classification (germline): Uncertain significance (1 of 4 stars; one submission).

Conditions:
Cortical dysplasia-focal epilepsy syndrome (PTHSL1). Also called: Pitt-Hopkins-like syndrome 1. Identifiers: Orphanet 163681, Orphanet 221150, MedGen C2750246, MONDO:0012400, OMIM 610042.

Submission:

Labcorp Genetics (formerly Invitae), Labcorp
Classification: Uncertain significance for Cortical dysplasia-focal epilepsy syndrome. Last evaluated: 2022-10-18. Review status: criteria provided, single submitter. Criteria: Invitae Variant Classification Sherloc (09022015). Collection method: clinical testing. Allele origin: germline.
Comment: In summary, the available evidence is currently insufficient to determine the role of this variant in disease. Therefore, it has been classified as a Variant of Uncertain Significance. Algorithms developed to predict the effect of missense changes on protein structure and function are either unavailable or do not agree on the potential impact of this missense change (SIFT: "Deleterious"; PolyPhen-2: "Benign"; Align-GVGD: "Class C0"). This variant has not been reported in the literature in individuals affected with CNTNAP2-related conditions. This variant is not present in population databases (gnomAD no frequency). This sequence change replaces isoleucine, which is neutral and non-polar, with leucine, which is neutral and non-polar, at codon 1272 of the CNTNAP2 protein (p.Ile1272Leu).